The following is an entry in ClinVar:

NM_004006.3(DMD):c.3137A>C (p.Gln1046Pro)

Gene: DMD (dystrophin; minus strand). Cytogenetic location: Xp21.1.
Variant type: single nucleotide variant.
Coding change: c.3137A>C on transcript NM_004006.3 (MANE Select); coding-DNA position 3137, A replaced by C.
Protein change: p.Gln1046Pro; replaces glutamine 1046 with proline.
Molecular consequence: missense variant.
Genome position (GRCh38, 1-based): chrX:32,468,523, T>G on the plus strand (A>C on the coding strand, the complement: DMD is on the minus strand). VCF-style: chrX-32468523-T-G. GRCh37 (hg19) VCF-style: chrX-32486640-T-G.
Other names: c.3113A>C, p.Gln1038Pro (NM_000109.4); c.3125A>C, p.Gln1042Pro (NM_004009.3); c.2768A>C, p.Gln923Pro (NM_004010.3); short protein forms Q923P, Q1038P, Q1046P, Q1042P.
Identifiers: ClinVar variation 959085 (VCV000959085.12), dbSNP rs2040288189, ClinGen allele CA412666786.

ClinVar aggregate classification (germline): Uncertain significance. Review status: criteria provided, multiple submitters, no conflicts (2 of 4 stars). 3 submissions from 3 submitters: Uncertain significance (2). 1 of the submissions does not count toward it. Last evaluated 2021-08-17.

Conditions:
Duchenne muscular dystrophy (DMD). Also called: MUSCULAR DYSTROPHY, PSEUDOHYPERTROPHIC PROGRESSIVE, DUCHENNE TYPE; Duchenne Muscular Dystrophy (DMD). Identifiers: Orphanet 98896, MedGen C0013264, MONDO:0010679, OMIM 310200.
Dystrophin deficiency.
Becker muscular dystrophy (BMD). Also called: MUSCULAR DYSTROPHY, PSEUDOHYPERTROPHIC PROGRESSIVE, BECKER TYPE; Becker Muscular Dystrophy (BMD). Identifiers: Orphanet 98895, MedGen C0917713, MONDO:0010311, OMIM 300376.
Cardiomyopathy (CMYO). Also called: Cardiomyopathies. Identifiers: Orphanet 167848, MedGen C0878544, MONDO:0004994, HP:0001638. Inheritance: Various modes of inheritance.
Dilated cardiomyopathy 3B (CMD3B). Also called: CMD3B: DMD-Related Dilated Cardiomyopathy; CARDIOMYOPATHY, DILATED, X-LINKED; DMD-Associated Dilated Cardiomyopathy. Identifiers: Orphanet 154, MedGen C3668940, MONDO:0010542, OMIM 302045.

Allele frequency attached by ClinVar (database versions not stated): TOPMed below 0.00001.

Submissions (3):

Fulgent Genetics
Classification: Uncertain significance for Becker muscular dystrophy; Dilated cardiomyopathy 3B; Duchenne muscular dystrophy. Last evaluated: 2021-08-17. Review status: criteria provided, single submitter. Criteria: ACMG Guidelines, 2015. Collection method: clinical testing. Allele origin: unknown.

Labcorp Genetics (formerly Invitae), Labcorp
Classification: Uncertain significance for Duchenne muscular dystrophy. Last evaluated: 2019-10-24. Review status: criteria provided, single submitter. Criteria: Invitae Variant Classification Sherloc (09022015). Collection method: clinical testing. Allele origin: germline.
Comment: This sequence change replaces glutamine with proline at codon 1046 of the DMD protein (p.Gln1046Pro). The glutamine residue is moderately conserved and there is a moderate physicochemical difference between glutamine and proline. This variant is not present in population databases (ExAC no frequency). This variant has not been reported in the literature in individuals with DMD-related conditions. Algorithms developed to predict the effect of missense changes on protein structure and function (SIFT, PolyPhen-2, Align-GVGD) all suggest that this variant is likely to be tolerated, but these predictions have not been confirmed by published functional studies and their clinical significance is uncertain. In summary, the available evidence is currently insufficient to determine the role of this variant in disease. Therefore, it has been classified as a Variant of Uncertain Significance.

Natera, Inc.
Classification: Uncertain significance for Becker muscular dystrophy; Cardiomyopathy; Duchenne muscular dystrophy; Dystrophin deficiency. Last evaluated: 2018-06-26. Review status: no assertion criteria provided. Collection method: clinical testing. Allele origin: germline. Not counted in ClinVar's aggregate classification.